The following is an entry in ClinVar:

NM_001374736.1(DST):c.11617C>T (p.Arg3873Cys)

Gene: DST (dystonin; minus strand). Cytogenetic location: 6p12.1.
Variant type: single nucleotide variant.
Coding change: c.11617C>T on transcript NM_001374736.1 (MANE Select); coding-DNA position 11617, C replaced by T.
Protein change: p.Arg3873Cys; replaces arginine 3873 with cysteine.
Molecular consequence: missense variant.
Genome position (GRCh38, 1-based): chr6:56,600,146, G>A on the plus strand (C>T on the coding strand, the complement: DST is on the minus strand). VCF-style: chr6-56600146-G-A. GRCh37 (hg19) VCF-style: chr6-56464944-G-A.
Other names: c.5260C>T, p.Arg1754Cys (NM_001144769.5); c.4846C>T, p.Arg1616Cys (NM_001144770.2); c.11617C>T, p.Arg3873Cys (NM_001374722.1); c.10984C>T, p.Arg3662Cys (NM_001374729.1); c.4726C>T, p.Arg1576Cys (NM_001374730.1, NM_001386100.1, NM_183380.4); c.11644C>T, p.Arg3882Cys (NM_001374734.1); c.3748C>T, p.Arg1250Cys (NM_015548.5); short protein forms R1576C, R3662C, R3882C, R1250C, R1616C, R1754C, R3873C.
Identifiers: ClinVar variation 1393244 (VCV001393244.8), dbSNP rs1334733744, ClinGen allele CA364529607.
Genomic context (GRCh38, chr6:56,600,146, plus strand): 5'-ATTTCTTTAACTCAACTGTGCCATCTCCAATCATGAAGGCTTCTTGGTGACCAATTAGGC[G>A]GTTTTCAGTTTGGGTAAGAAGATCACATATCCCTTGGAGTTTCTCTTTATACTCCTGCTG-3'
Protein context (NP_001361665.1, residues 3863-3883): ICDLLTQTEN[Arg3873Cys]LIGHQEAFMI

ClinVar aggregate classification (germline): Uncertain significance. Review status: criteria provided, multiple submitters, no conflicts (2 of 4 stars). 2 submissions from 2 submitters: Uncertain significance (2). Last evaluated 2022-03-23.

Conditions:
Epidermolysis bullosa simplex 3, localized or generalized intermediate, with BP230 deficiency (EBS3). Also called: Epidermolysis bullosa simplex, autosomal recessive 2; Epidermolysis bullosa simplex due to BP230 deficiency. Identifiers: Orphanet 412181, MedGen C3809470, MONDO:0014180, OMIM 615425.
Hereditary sensory and autonomic neuropathy type 6. Also called: HSAN VI; Neuropathy, hereditary sensory and autonomic, type VI. Identifiers: Orphanet 314381, MedGen C3539003, MONDO:0013839, OMIM 614653.
Inborn genetic diseases. Identifiers: MedGen C0950123, MeSH D030342.

Allele frequency attached by ClinVar (database versions not stated): gnomAD exomes 0.00001; gnomAD 0.00003 and 0.00004.
gnomAD v4.1: 10 of 1,612,634 alleles (0.00062%); highest among the groups gnomAD compares: Admixed American, 0.0033%; no homozygotes.

Submissions (2):

Ambry Genetics
Classification: Uncertain significance for Inborn genetic diseases. Last evaluated: 2022-03-23. Review status: criteria provided, single submitter. Criteria: Ambry Variant Classification Scheme 2023. Collection method: clinical testing. Allele origin: germline.
Comment: The p.R1754C variant (also known as c.5260C>T), located in coding exon 39 of the DST gene, results from a C to T substitution at nucleotide position 5260. The arginine at codon 1754 is replaced by cysteine, an amino acid with highly dissimilar properties. This amino acid position is well conserved in available vertebrate species. In addition, the in silico prediction for this alteration is inconclusive. Since supporting evidence is limited at this time, the clinical significance of this alteration remains unclear.

Labcorp Genetics (formerly Invitae), Labcorp
Classification: Uncertain significance for Epidermolysis bullosa simplex 3, localized or generalized intermediate, with BP230 deficiency; Hereditary sensory and autonomic neuropathy type 6. Last evaluated: 2021-07-26. Review status: criteria provided, single submitter. Criteria: Invitae Variant Classification Sherloc (09022015). Collection method: clinical testing. Allele origin: germline.
Comment: In summary, the available evidence is currently insufficient to determine the role of this variant in disease. Therefore, it has been classified as a Variant of Uncertain Significance. Experimental studies and prediction algorithms are not available or were not evaluated, and the functional significance of this variant is currently unknown. This variant has not been reported in the literature in individuals affected with DST-related conditions. This variant is not present in population databases (ExAC no frequency). This sequence change replaces arginine with cysteine at codon 1250 of the DST protein (p.Arg1250Cys). The DST gene has multiple clinically relevant transcripts. This variant occurs in alternate transcript NM_015548.4, and corresponds to NM_001723.5:c.*15371C>T in the primary transcript.